The following is an entry in ClinVar:

ClinVar aggregate classification (germline): Uncertain significance (1 of 4 stars; one submission).

Submission:

Labcorp Genetics (formerly Invitae), Labcorp
Classification: Uncertain significance. Last evaluated: 2024-10-17. Review status: criteria provided, single submitter. Criteria: Invitae Variant Classification Sherloc (09022015). Collection method: clinical testing. Allele origin: germline.
Comment: This sequence change creates a premature translational stop signal (p.Gln2115*) in the CACNA1E gene. While this is not anticipated to result in nonsense mediated decay, it is expected to disrupt the last 156 amino acid(s) of the CACNA1E protein. This variant is not present in population databases (gnomAD no frequency). This variant has not been reported in the literature in individuals affected with CACNA1E-related conditions. ClinVar contains an entry for this variant (Variation ID: 2115044). Experimental studies and prediction algorithms are not available or were not evaluated, and the functional significance of this variant is currently unknown. Algorithms developed to predict the effect of sequence changes on RNA splicing suggest that this variant may disrupt the consensus splice site. In summary, the available evidence is currently insufficient to determine the role of this variant in disease. Therefore, it has been classified as a Variant of Uncertain Significance.

NM_001205293.3(CACNA1E):c.6472C>T (p.Gln2158Ter)

Gene: CACNA1E (calcium voltage-gated channel subunit alpha1 E; plus strand). Cytogenetic location: 1q25.3.
Variant type: single nucleotide variant.
Coding change: c.6472C>T on transcript NM_001205293.3 (MANE Select); coding-DNA position 6472, C replaced by T.
Protein change: p.Gln2158Ter; replaces glutamine 2158 with a stop codon.
Molecular consequence: nonsense.
Genome position (GRCh38, 1-based): chr1:181,798,364, C>T. VCF-style: chr1-181798364-C-T. GRCh37 (hg19) VCF-style: chr1-181767500-C-T.
Other names: c.6343C>T, p.Gln2115Ter (NM_000721.4); c.6286C>T, p.Gln2096Ter (NM_001205294.2); short protein forms Q2115*, Q2158*, Q2096*.
Identifiers: ClinVar variation 2115044 (VCV002115044.4), dbSNP rs2525528308, ClinGen allele CA343844866.